The following is an entry in ClinVar:

ClinVar aggregate classification (germline): Uncertain significance (1 of 4 stars; one submission).

Conditions:
Congenital disorder of deglycosylation (CDDG). Identifiers: MedGen C3808991, MONDO:0031376.

Submission:

Labcorp Genetics (formerly Invitae), Labcorp
Classification: Uncertain significance for Congenital disorder of deglycosylation. Last evaluated: 2022-11-02. Review status: criteria provided, single submitter. Criteria: Invitae Variant Classification Sherloc (09022015). Collection method: clinical testing. Allele origin: germline.
Comment: Advanced modeling of protein sequence and biophysical properties (such as structural, functional, and spatial information, amino acid conservation, physicochemical variation, residue mobility, and thermodynamic stability) performed at Invitae indicates that this missense variant is not expected to disrupt NGLY1 protein function. This variant has not been reported in the literature in individuals affected with NGLY1-related conditions. This variant is not present in population databases (gnomAD no frequency). This sequence change replaces glutamic acid, which is acidic and polar, with glutamine, which is neutral and polar, at codon 518 of the NGLY1 protein (p.Glu518Gln). In summary, the available evidence is currently insufficient to determine the role of this variant in disease. Therefore, it has been classified as a Variant of Uncertain Significance.

NM_018297.4(NGLY1):c.1552G>C (p.Glu518Gln)

Gene: NGLY1 (N-glycanase 1; minus strand). Cytogenetic location: 3p24.2.
Variant type: single nucleotide variant.
Coding change: c.1552G>C on transcript NM_018297.4 (MANE Select); coding-DNA position 1552, G replaced by C.
Protein change: p.Glu518Gln; replaces glutamic acid 518 with glutamine.
Molecular consequence: missense variant.
Genome position (GRCh38, 1-based): chr3:25,729,192, C>G on the plus strand (G>C on the coding strand, the complement: NGLY1 is on the minus strand). VCF-style: chr3-25729192-C-G. GRCh37 (hg19) VCF-style: chr3-25770683-C-G.
Other names: c.1498G>C, p.Glu500Gln (NM_001145293.2); c.1426G>C, p.Glu476Gln (NM_001145294.2); c.1552G>C, p.Glu518Gln (NM_001145295.2); short protein forms E476Q, E500Q, E518Q.
Identifiers: ClinVar variation 1970413 (VCV001970413.5), dbSNP rs2470509453, ClinGen allele CA351896513.